The following is an entry in ClinVar:

ClinVar aggregate classification (germline): Pathogenic. Review status: criteria provided, multiple submitters, no conflicts (2 of 4 stars). 2 submissions from 2 submitters: Pathogenic (2). Last evaluated 2021-11-25.

Conditions:
CXCR4-related disorder. Also called: CXCR4-related condition.
Warts, hypogammaglobulinemia, infections, and myelokathexis. Also called: WHIM syndrome. Identifiers: MedGen C0472817, MONDO:0023880.

Allele frequency attached by ClinVar (database versions not stated): gnomAD exomes below 0.00001.
gnomAD v4.1: 1 of 1,612,132 alleles (0.000062%); highest among the groups gnomAD compares: Non-Finnish European, 0.000085%; no homozygotes.

Submissions (2):

Labcorp Genetics (formerly Invitae), Labcorp
Classification: Pathogenic for Warts, hypogammaglobulinemia, infections, and myelokathexis. Last evaluated: 2021-11-25. Review status: criteria provided, single submitter. Criteria: Invitae Variant Classification Sherloc (09022015). Collection method: clinical testing. Allele origin: germline.
Comment: For these reasons, this variant has been classified as Pathogenic. Experimental studies are conflicting or provide insufficient evidence to determine the effect of this variant on CXCR4 function (PMID: 15026312, 23794067). Algorithms developed to predict the effect of variants on protein structure and function are not available or were not evaluated for this variant. This premature translational stop signal has been observed in individual(s) with warts, hypogammaglobulinemia, infections, and myelokathexis syndrome (WHIMS) (PMID: 15026312; Invitae). In at least one individual the variant was observed to be de novo. This variant is not present in population databases (gnomAD no frequency). This sequence change creates a premature translational stop signal (p.Gly336*) in the CXCR4 gene. While this is not anticipated to result in nonsense mediated decay, it is expected to disrupt the last 17 amino acid(s) of the CXCR4 protein.

Blueprint Genetics
Classification: Pathogenic for CXCR4-related disorders. Last evaluated: 2020-12-16. Review status: criteria provided, single submitter. Criteria: ACMG Guidelines, 2015. Collection method: clinical testing. Allele origin: germline. Affected: yes. Observed: 1 variant allele.

Literature cited by the submitters: PubMed 15026312 (cited by Labcorp Genetics (formerly Invitae), Labcorp); PubMed 23794067 (cited by Labcorp Genetics (formerly Invitae), Labcorp).

NM_003467.3(CXCR4):c.1006G>T (p.Gly336Ter)

Gene: CXCR4 (C-X-C motif chemokine receptor 4; minus strand). Cytogenetic location: 2q22.1.
Variant type: single nucleotide variant.
Coding change: c.1006G>T on transcript NM_003467.3 (MANE Select); coding-DNA position 1006, G replaced by T.
Protein change: p.Gly336Ter; replaces glycine 336 with a stop codon.
Molecular consequence: nonsense.
Genome position (GRCh38, 1-based): chr2:136,114,922, C>A on the plus strand (G>T on the coding strand, the complement: CXCR4 is on the minus strand). VCF-style: chr2-136114922-C-A. GRCh37 (hg19) VCF-style: chr2-136872492-C-A.
Other names: c.1018G>T, p.Gly340Ter (NM_001008540.2); c.1219G>T, p.Gly407Ter (NM_001348056.2); c.1105G>T, p.Gly369Ter (NM_001348059.2); c.961G>T, p.Gly321Ter (NM_001348060.2); short protein forms G369*, G321*, G336*, G340*, G407*.
Identifiers: ClinVar variation 1453229 (VCV001453229.7), dbSNP rs2104915575, ClinGen allele CA348657446.